The following is an entry in ClinVar:

ClinVar aggregate classification (germline): Uncertain significance. Review status: criteria provided, multiple submitters, no conflicts (2 of 4 stars). 5 submissions from 3 submitters: Uncertain significance (5). Last evaluated 2024-07-17.

Conditions:
Inborn genetic diseases. Identifiers: MedGen C0950123, MeSH D030342.
Intellectual developmental disorder with epilepsy, behavioral abnormalities, and coarse facies. Identifiers: MedGen C5436646, MONDO:0033572, OMIM 619031.
Myopathy, epilepsy, and progressive cerebral atrophy. Identifiers: MedGen C5436652, MONDO:0033619, OMIM 619036.
Congenital myasthenic syndrome 15. Also called: Myasthenic syndrome, congenital, 15, without tubular aggregates. Identifiers: Orphanet 353327, Orphanet 590, MedGen C4015596, MONDO:0014542, OMIM 616227.

Allele frequency attached by ClinVar (database versions not stated): gnomAD 0.00001; gnomAD exomes 0.00002; TOPMed 0.00002; ExAC 0.00003.
gnomAD v4.1: 24 of 1,613,972 alleles (0.0015%); highest among the groups gnomAD compares: Non-Finnish European, 0.0019%; no homozygotes.

Submissions (5):

Labcorp Genetics (formerly Invitae), Labcorp
Classification: Uncertain significance for Congenital myasthenic syndrome 15. Last evaluated: 2024-07-17. Review status: criteria provided, single submitter. Criteria: Invitae Variant Classification Sherloc (09022015). Collection method: clinical testing. Allele origin: germline.
Comment: This sequence change replaces serine, which is neutral and polar, with leucine, which is neutral and non-polar, at codon 209 of the ALG14 protein (p.Ser209Leu). This variant is present in population databases (rs754944986, gnomAD 0.005%). This variant has not been reported in the literature in individuals affected with ALG14-related conditions. ClinVar contains an entry for this variant (Variation ID: 1931369). An algorithm developed to predict the effect of missense changes on protein structure and function (PolyPhen-2) suggests that this variant is likely to be disruptive. In summary, the available evidence is currently insufficient to determine the role of this variant in disease. Therefore, it has been classified as a Variant of Uncertain Significance.

Genome-Nilou Lab
Classification: Uncertain significance for Congenital myasthenic syndrome 15. Last evaluated: 2023-04-11. Review status: criteria provided, single submitter. Criteria: ACMG Guidelines, 2015. Collection method: clinical testing. Allele origin: germline. Affected: no.

Genome-Nilou Lab
Classification: Uncertain significance for Intellectual developmental disorder with epilepsy, behavioral abnormalities, and coarse facies. Last evaluated: 2023-04-11. Review status: criteria provided, single submitter. Criteria: ACMG Guidelines, 2015. Collection method: clinical testing. Allele origin: germline. Affected: no.

Genome-Nilou Lab
Classification: Uncertain significance for Myopathy, epilepsy, and progressive cerebral atrophy. Last evaluated: 2023-04-11. Review status: criteria provided, single submitter. Criteria: ACMG Guidelines, 2015. Collection method: clinical testing. Allele origin: germline. Affected: no.

Ambry Genetics
Classification: Uncertain significance for Inborn genetic diseases. Last evaluated: 2022-11-08. Review status: criteria provided, single submitter. Criteria: Ambry Variant Classification Scheme 2023. Collection method: clinical testing. Allele origin: germline.

NM_144988.4(ALG14):c.626C>T (p.Ser209Leu)

Gene: ALG14 (ALG14 UDP-N-acetylglucosaminyltransferase subunit; minus strand). Cytogenetic location: 1p21.3.
Variant type: single nucleotide variant.
Coding change: c.626C>T on transcript NM_144988.4 (MANE Select); coding-DNA position 626, C replaced by T.
Protein change: p.Ser209Leu; replaces serine 209 with leucine.
Molecular consequence: missense variant. On other transcripts: 3 prime UTR variant (1), non-coding transcript variant (1).
Genome position (GRCh38, 1-based): chr1:94,983,101, G>A on the plus strand (C>T on the coding strand, the complement: ALG14 is on the minus strand). VCF-style: chr1-94983101-G-A. GRCh37 (hg19) VCF-style: chr1-95448657-G-A.
Other names: c.*195C>T (NM_001305242.2); short protein forms S209L.
Identifiers: ClinVar variation 1931369 (VCV001931369.5), dbSNP rs754944986, ClinGen allele CA961745.
Genomic context (GRCh38, chr1:94,983,101, plus strand): 5'-AACTGCAAAATTCTAAAGAAGTCAGTTGCCATTTGTCAAACAATTCGCCCAAGGTACACC[G>A]ATTTGGGATACTTTTCTTTCAGAGCCGGCCACTGAACAATGAAGTAATCTGAGAGATGAA-3'
Protein context (NP_659425.1, residues 199-216): WPALKEKYPK[Ser209Leu]VYLGRIV